The following is an entry in ClinVar:

ClinVar aggregate classification (germline): Uncertain significance (1 of 4 stars; one submission).

Conditions:
Fanconi anemia complementation group O. Also called: RAD51C-Related Fanconi Anemia. Identifiers: Orphanet 84, MedGen C3150653, MONDO:0013248, OMIM 613390.

Submission:

Labcorp Genetics (formerly Invitae), Labcorp
Classification: Uncertain significance for Fanconi anemia complementation group O. Last evaluated: 2019-10-28. Review status: criteria provided, single submitter. Criteria: Invitae Variant Classification Sherloc (09022015). Collection method: clinical testing. Allele origin: germline.
Comment: In summary, the available evidence is currently insufficient to determine the role of this variant in disease. Therefore, it has been classified as a Variant of Uncertain Significance. Algorithms developed to predict the effect of missense changes on protein structure and function are either unavailable or do not agree on the potential impact of this missense change (SIFT: "Deleterious"; PolyPhen-2: "Probably Damaging"; Align-GVGD: "Class C0"). This variant has not been reported in the literature in individuals with RAD51C-related conditions. This variant is not present in population databases (ExAC no frequency). This sequence change replaces alanine with threonine at codon 139 of the RAD51C protein (p.Ala139Thr). The alanine residue is highly conserved and there is a small physicochemical difference between alanine and threonine.

NM_058216.3(RAD51C):c.415G>A (p.Ala139Thr)

Gene: RAD51C (RAD51 paralog C; plus strand). Cytogenetic location: 17q22.
Variant type: single nucleotide variant.
Coding change: c.415G>A on transcript NM_058216.3 (MANE Select); coding-DNA position 415, G replaced by A.
Protein change: p.Ala139Thr; replaces alanine 139 with threonine.
Molecular consequence: missense variant.
Genome position (GRCh38, 1-based): chr17:58,696,703, G>A. VCF-style: chr17-58696703-G-A. GRCh37 (hg19) VCF-style: chr17-56774064-G-A.
Other names: short protein forms A139T.
Identifiers: ClinVar variation 959801 (VCV000959801.9), dbSNP rs2048021584, ClinGen allele CA400343795.